The following is an entry in ClinVar:

ClinVar aggregate classification (germline): Uncertain significance (1 of 4 stars; one submission).

gnomAD v4.1: 15 of 1,614,180 alleles (0.00093%); highest among the groups gnomAD compares: Non-Finnish European, 0.0012%; no homozygotes.

Submission:

Labcorp Genetics (formerly Invitae), Labcorp
Classification: Uncertain significance. Last evaluated: 2024-12-09. Review status: criteria provided, single submitter. Criteria: Invitae Variant Classification Sherloc (09022015). Collection method: clinical testing. Allele origin: germline.
Comment: This sequence change replaces tryptophan, which is neutral and slightly polar, with cysteine, which is neutral and slightly polar, at codon 517 of the LAMA1 protein (p.Trp517Cys). This variant is present in population databases (no rsID available, gnomAD 0.002%). This variant has not been reported in the literature in individuals affected with LAMA1-related conditions. An algorithm developed to predict the effect of missense changes on protein structure and function (PolyPhen-2) suggests that this variant is likely to be disruptive. In summary, the available evidence is currently insufficient to determine the role of this variant in disease. Therefore, it has been classified as a Variant of Uncertain Significance.

NM_005559.4(LAMA1):c.1551G>C (p.Trp517Cys)

Genes: LAMA1 (laminin subunit alpha 1; minus strand), LOC112543434 (P300/CBP strongly-dependent group 1 enhancer GRCh37_chr18:7038146-7039345; plus strand). Cytogenetic location: 18p11.31.
Variant type: single nucleotide variant.
Coding change: c.1551G>C on transcript NM_005559.4 (MANE Select); coding-DNA position 1551, G replaced by C.
Protein change: p.Trp517Cys; replaces tryptophan 517 with cysteine.
Molecular consequence: missense variant.
Genome position (GRCh38, 1-based): chr18:7,038,822, C>G on the plus strand (G>C on the coding strand, the complement: LAMA1 is on the minus strand). VCF-style: chr18-7038822-C-G. GRCh37 (hg19) VCF-style: chr18-7038821-C-G.
Other names: short protein forms W517C.
Identifiers: ClinVar variation 3605836 (VCV003605836.2).
Genomic context (GRCh38, chr18:7,038,822, plus strand): 5'-CAATACGACCTGCTCATTAAATCCCGCCGCGCAGATGGCGCCTCCCACCTGACCAACAGG[C>G]CAAGAGAGGCTGCTGCAGACATCAGAAACGCCAAAGCAGAAGCACTCGGAGCAGCCCCGG-3'
Protein context (NP_005550.2, residues 507-527): GVSDVCSSLS[Trp517Cys]PVGQVNSMSG